The following is an entry in ClinVar:

ClinVar aggregate classification (germline): Uncertain significance (1 of 4 stars; one submission).

Conditions:
Desmin-related myofibrillar myopathy (MFM1). Also called: Desminopathy; Desmin related myopathy (former name); Desmin storage myopathy (former name); MYOFIBRILLAR MYOPATHY WITH ARRHYTHMOGENIC RIGHT VENTRICULAR CARDIOMYOPATHY; DESMIN-RELATED MYOPATHY WITH ARRHYTHMOGENIC RIGHT VENTRICULAR CARDIOMYOPATHY; Myofibrillar myopathy 1. Identifiers: Orphanet 363543, Orphanet 98909, MedGen C1832370, MONDO:0011076, OMIM 601419.

gnomAD v4.1: 1 of 1,546,550 alleles (0.000065%); highest among the groups gnomAD compares: Non-Finnish European, 0.000087%; no homozygotes.

Submission:

Labcorp Genetics (formerly Invitae), Labcorp
Classification: Uncertain significance for Desmin-related myofibrillar myopathy. Last evaluated: 2024-09-09. Review status: criteria provided, single submitter. Criteria: Invitae Variant Classification Sherloc (09022015). Collection method: clinical testing. Allele origin: germline.
Comment: This sequence change replaces leucine, which is neutral and non-polar, with proline, which is neutral and non-polar, at codon 183 of the DES protein (p.Leu183Pro). This variant is not present in population databases (gnomAD no frequency). This variant has not been reported in the literature in individuals affected with DES-related conditions. Invitae Evidence Modeling of protein sequence and biophysical properties (such as structural, functional, and spatial information, amino acid conservation, physicochemical variation, residue mobility, and thermodynamic stability) indicates that this missense variant is expected to disrupt DES protein function with a positive predictive value of 95%. In summary, the available evidence is currently insufficient to determine the role of this variant in disease. Therefore, it has been classified as a Variant of Uncertain Significance.

NM_001927.4(DES):c.548T>C (p.Leu183Pro)

Gene: DES (desmin; plus strand). Cytogenetic location: 2q35.
Variant type: single nucleotide variant.
Coding change: c.548T>C on transcript NM_001927.4 (MANE Select); coding-DNA position 548, T replaced by C.
Protein change: p.Leu183Pro; replaces leucine 183 with proline.
Molecular consequence: missense variant. On other transcripts: intron variant (1).
Genome position (GRCh38, 1-based): chr2:219,419,010, T>C. VCF-style: chr2-219419010-T-C. GRCh37 (hg19) VCF-style: chr2-220283732-T-C.
Other names: c.548T>C, p.Leu183Pro (NM_001382708.1, NM_001382709.1, NM_001382710.1 and 2 more transcripts); c.495+53T>C (NM_001382713.1); short protein forms L183P.
Identifiers: ClinVar variation 3763551 (VCV003763551.2).
Genomic context (GRCh38, chr2:219,419,010, plus strand): 5'-GGCGCCAGGTGGAGGTGCTCACTAACCAGCGCGCGCGCGTCGACGTCGAGCGCGACAACC[T>C]GCTCGACGACCTGCAGCGGCTCAAGGCCAAGTGAGGGCCCGGCACCCCAGACTCCTCTTT-3'
Protein context (NP_001918.3, residues 173-193): RARVDVERDN[Leu183Pro]LDDLQRLKAK